The following is an entry in ClinVar:

ClinVar aggregate classification (germline): Uncertain significance (1 of 4 stars; one submission).

Submission:

Ambry Genetics
Classification: Uncertain significance. Last evaluated: 2025-12-03. Review status: criteria provided, single submitter. Criteria: Ambry Variant Classification Scheme 2023. Collection method: clinical testing. Allele origin: germline.
Comment: The p.I481L variant (also known as c.1441A>C), located in coding exon 15 of the SRP72 gene, results from an A to C substitution at nucleotide position 1441. The isoleucine at codon 481 is replaced by leucine, an amino acid with highly similar properties. This amino acid position is conserved. In addition, this alteration is predicted to be tolerated by in silico analysis. Based on the available evidence, the clinical significance of this variant remains unclear.

NM_006947.4(SRP72):c.1441A>C (p.Ile481Leu)

Gene: SRP72 (signal recognition particle 72; plus strand). Cytogenetic location: 4q12.
Variant type: single nucleotide variant.
Coding change: c.1441A>C on transcript NM_006947.4 (MANE Select); coding-DNA position 1441, A replaced by C.
Protein change: p.Ile481Leu; replaces isoleucine 481 with leucine.
Molecular consequence: missense variant. On other transcripts: non-coding transcript variant (1).
Genome position (GRCh38, 1-based): chr4:56,490,584, A>C. VCF-style: chr4-56490584-A-C. GRCh37 (hg19) VCF-style: chr4-57356750-A-C.
Other names: c.1258A>C, p.Ile420Leu (NM_001267722.2); short protein forms I481L, I420L.
Identifiers: ClinVar variation 4589640 (VCV004589640.1).